The following is an entry in ClinVar:

ClinVar aggregate classification (germline): Pathogenic (1 of 4 stars; one submission).

Conditions:
Kabuki syndrome. Also called: Kabuki make-up syndrome; NIIKAWA-KUROKI SYNDROME. Identifiers: Orphanet 2322, MedGen C0796004, MONDO:0016512.

Submission:

Labcorp Genetics (formerly Invitae), Labcorp
Classification: Pathogenic for Kabuki syndrome. Last evaluated: 2016-07-09. Review status: criteria provided, single submitter. Criteria: Invitae Variant Classification Sherloc (09022015). Collection method: clinical testing. Allele origin: germline.
Comment: This sequence change creates a premature translational stop signal at codon 3919 (p.Gln3919*) of the KMT2D gene. It is expected to result in an absent or disrupted protein product. While this particular variant has not been reported in the literature, loss-of-function variants in KMT2D are known to be pathogenic (PMID: 24633898). For these reasons, this variant has been classified as Pathogenic.

NM_003482.4(KMT2D):c.11755C>T (p.Gln3919Ter)

Gene: KMT2D (lysine methyltransferase 2D; minus strand). Cytogenetic location: 12q13.12.
Variant type: single nucleotide variant.
Coding change: c.11755C>T on transcript NM_003482.4 (MANE Select); coding-DNA position 11755, C replaced by T.
Protein change: p.Gln3919Ter; replaces glutamine 3919 with a stop codon.
Molecular consequence: nonsense.
Genome position (GRCh38, 1-based): chr12:49,032,950, G>A on the plus strand (C>T on the coding strand, the complement: KMT2D is on the minus strand). VCF-style: chr12-49032950-G-A. GRCh37 (hg19) VCF-style: chr12-49426733-G-A.
Other names: short protein forms Q3919*.
Identifiers: ClinVar variation 463002 (VCV000463002.1), dbSNP rs1555188501, ClinGen allele CA384715774.
Genomic context (GRCh38, chr12:49,032,950, plus strand): 5'-GCTGCTGCTGTTGCTGCTGTTGAAGCTGTTGCTGCTGAAGTTGCTGTTGCTGTTGTAGCT[G>A]CTGCTGCTGCTGCTGCTGAAGTTGCTGTTGCTGTTGCAGCTGCTGCTGCTGCTGAAGCTG-3'